The following is an entry in ClinVar:

ClinVar aggregate classification (germline): Likely benign (1 of 4 stars; one submission).

gnomAD v4.1: 3 of 1,614,040 alleles (0.00019%); highest among the groups gnomAD compares: South Asian, 0.0022%; no homozygotes.

Submission:

CeGaT Center for Human Genetics Tuebingen
Classification: Likely benign. Last evaluated: 2026-03-01. Review status: criteria provided, single submitter. Criteria: CeGaT Center For Human Genetics Tuebingen Variant Classification Criteria Version 2. Collection method: clinical testing. Allele origin: germline. Affected: yes. Observed: 1 variant allele.
Comment: SCN3A: BP4, BP7

NM_006922.4(SCN3A):c.2838G>A (p.Glu946=)

Gene: SCN3A (sodium voltage-gated channel alpha subunit 3; minus strand). Cytogenetic location: 2q24.3.
Variant type: single nucleotide variant.
Coding change: c.2838G>A on transcript NM_006922.4 (MANE Select); coding-DNA position 2838, G replaced by A.
Protein change: p.Glu946=; no amino-acid change (glutamic acid 946 retained).
Molecular consequence: synonymous variant.
Genome position (GRCh38, 1-based): chr2:165,130,024, C>T on the plus strand (G>A on the coding strand, the complement: SCN3A is on the minus strand). VCF-style: chr2-165130024-C-T. GRCh37 (hg19) VCF-style: chr2-165986534-C-T.
Other names: c.2691G>A, p.Glu897= (NM_001081676.2, NM_001081677.2).
Identifiers: ClinVar variation 4823652 (VCV004823652.4).
Genomic context (GRCh38, chr2:165,130,024, plus strand): 5'-CAACATGAAAACAATAAGGCACATGGTTTGGCCAGCGACCTCCATACAGTCCCACATGGT[C>T]TCTATCCACTCTCCACACAGCACGCGGAACACAATCAGGAAGGAGTGGAAGAAGTCGTTC-3'
Protein context (NP_008853.3, residues 936-956): VFRVLCGEWI[Glu946=]TMWDCMEVAG